The following is an entry in ClinVar:

NM_001267550.2(TTN):c.26818G>A (p.Gly8940Ser)

Gene: TTN (titin; minus strand). Cytogenetic location: 2q31.2.
Variant type: single nucleotide variant.
Coding change: c.26818G>A on transcript NM_001267550.2 (MANE Select); coding-DNA position 26818, G replaced by A.
Protein change: p.Gly8940Ser; replaces glycine 8940 with serine.
Molecular consequence: missense variant. On other transcripts: intron variant (3).
Genome position (GRCh38, 1-based): chr2:178,713,316, C>T on the plus strand (G>A on the coding strand, the complement: TTN is on the minus strand). VCF-style: chr2-178713316-C-T. GRCh37 (hg19) VCF-style: chr2-179578043-C-T.
Other names: p.G8623S:GGC>AGC; c.25867G>A, p.Gly8623Ser (NM_001256850.1); c.23086G>A, p.Gly7696Ser (NM_133378.4); c.13282+24766G>A (NM_003319.4); c.13858+24766G>A (NM_133437.4); c.13657+24766G>A (NM_133432.3); short protein forms G7696S, G8940S, G8623S.
Identifiers: ClinVar variation 178234 (VCV000178234.66), dbSNP rs201005813, ClinGen allele CA181869.
Genomic context (GRCh38, chr2:178,713,316, plus strand): 5'-ACCAGGAGACAGAGATTGGAGGTGACCCATAGACTTTACACTCCATTACAACTGAGGAGC[C>T]GGATAGACCATTTGTCTCTTTCAATTTTCTTGTGAATGAAGGAGGAACGGTTCGGTCTGA-3'
Protein context (NP_001254479.2, residues 8930-8950): RKLKETNGLS[Gly8940Ser]SSVVMECKVY

ClinVar aggregate classification (germline): Conflicting classifications of pathogenicity. Review status: criteria provided, conflicting classifications (1 of 4 stars). 16 submissions from 12 submitters: Uncertain significance (3); Benign (3); Likely benign (9). 1 of the submissions does not count toward it. Last evaluated 2026-06-08.

Conditions:
TTN-related disorder. Also called: TTN-related disorders; TTN-related condition; TTN-related disease.
Dilated cardiomyopathy 1G (CMD1G). Identifiers: Orphanet 154, MedGen C1858763, MONDO:0011400, OMIM 604145.
Autosomal recessive limb-girdle muscular dystrophy type 2J (LGMDR10). Also called: Limb-girdle muscular dystrophy, type 2J; MUSCULAR DYSTROPHY, LIMB-GIRDLE, AUTOSOMAL RECESSIVE 10. Identifiers: Orphanet 140922, MedGen C1837342, MONDO:0012127, OMIM 608807.
Early-onset myopathy with fatal cardiomyopathy (CMYO5). Also called: CONGENITAL MYOPATHY 5 WITH CARDIOMYOPATHY; Salih Myopathy. Identifiers: Orphanet 289377, MedGen C2673677, MONDO:0012714, OMIM 611705. Disease mechanism: loss of function.
Tibial muscular dystrophy (TMD). Also called: UDD MYOPATHY; Tibial muscular dystrophy, tardive; Udd Distal Myopathy – Tibial Muscular Dystrophy. Identifiers: Orphanet 609, MedGen C1838244, MONDO:0010870, OMIM 600334.
Myopathy, myofibrillar, 9, with early respiratory failure (MFM9). Also called: Hereditary myopathy with early respiratory failure; MYOPATHY, PROXIMAL, WITH EARLY RESPIRATORY MUSCLE INVOLVEMENT; EDSTROM MYOPATHY; Myopathy, distal, with early respiratory failure, autosomal dominant. Identifiers: Orphanet 178464, Orphanet 34521, MedGen C1863599, MONDO:0011362, OMIM 603689.

Allele frequency attached by ClinVar (database versions not stated): gnomAD exomes 0.00010 and 0.00021; ExAC 0.00044; 1000 Genomes Project 0.00060; 1000 Genomes Project 30x 0.00062; ESP Exome Variant Server 0.00092; gnomAD 0.00092 and 0.00101; TOPMed 0.00107.
gnomAD v4.1: 296 of 1,581,412 alleles (0.019%); highest among the groups gnomAD compares: African/African-American, 0.34%; no homozygotes.

Submissions (16):

Women's Health and Genetics/Laboratory Corporation of America, LabCorp
Classification: Likely benign. Last evaluated: 2026-06-08. Review status: criteria provided, single submitter. Criteria: LabCorp Variant Classification Summary - May 2015. Collection method: clinical testing. Allele origin: germline.
Comment: Variant summary: TTN c.23086G>A (p.Gly7696Ser) results in a non-conservative amino acid change located in the I-band region of the encoded protein sequence. Algorithms developed to predict the effect of missense changes on protein structure and function all suggest that this variant is likely to be disruptive. The variant allele was found at a frequency of 0.00021 in 196738 control chromosomes, predominantly at a frequency of 0.003 within the African or African-American subpopulation in the gnomAD database. The observed variant frequency within African or African-American control individuals in the gnomAD database exceeds the estimated maximal expected allele frequency for disease-causing variants in TTN. To our knowledge, no occurrence of c.23086G>A in individuals affected with TTN-related conditions and no experimental evidence demonstrating its impact on protein function have been reported. ClinVar contains an entry for this variant (Variation ID: 178234). Based on the evidence outlined above, the variant was classified as likely benign.

Labcorp Genetics (formerly Invitae), Labcorp
Classification: Likely benign for Dilated cardiomyopathy 1G; Autosomal recessive limb-girdle muscular dystrophy type 2J. Last evaluated: 2026-01-14. Review status: criteria provided, single submitter. Criteria: Invitae Variant Classification Sherloc (09022015). Collection method: clinical testing. Allele origin: germline.

Molecular Diagnostic Laboratory for Inherited Cardiovascular Disease, Montreal Heart Institute
Classification: Likely benign. Last evaluated: 2025-04-09. Review status: criteria provided, single submitter. Criteria: ACMG Guidelines, 2015. Collection method: clinical testing. Allele origin: germline. Affected: no.
Comment: BP1;BP6

Blueprint Genetics
Classification: Likely benign. Last evaluated: 2024-09-03. Review status: criteria provided, single submitter. Criteria: ACMG Guidelines, 2015. Collection method: clinical testing. Allele origin: germline.

CeGaT Center for Human Genetics Tuebingen
Classification: Likely benign. Last evaluated: 2024-09-01. Review status: criteria provided, single submitter. Criteria: CeGaT Center For Human Genetics Tuebingen Variant Classification Criteria Version 2. Collection method: clinical testing. Allele origin: germline. Affected: yes. Observed: 3 variant alleles.
Comment: TTN: BS1

GeneDx
Classification: Likely benign. Last evaluated: 2020-09-08. Review status: criteria provided, single submitter. Criteria: GeneDx Variant Classification Process June 2021. Collection method: clinical testing. Allele origin: germline. Affected: yes.
Comment: This variant is associated with the following publications: (PMID: 23861362)

Athena Diagnostics
Classification: Benign. Last evaluated: 2019-11-07. Review status: criteria provided, single submitter. Criteria: Athena Diagnostics Criteria. Collection method: clinical testing. Allele origin: unknown.

Illumina Laboratory Services, Illumina
Classification: Uncertain significance for Early-onset myopathy with fatal cardiomyopathy. Last evaluated: 2018-01-13. Review status: criteria provided, single submitter. Criteria: ICSL Variant Classification Criteria 13 December 2019. Collection method: clinical testing. Allele origin: germline.

Illumina Laboratory Services, Illumina
Classification: Benign for Myopathy, myofibrillar, 9, with early respiratory failure. Last evaluated: 2018-01-13. Review status: criteria provided, single submitter. Criteria: ICSL Variant Classification Criteria 13 December 2019. Collection method: clinical testing. Allele origin: germline.
Comment: This variant was observed in the ICSL laboratory as part of a predisposition screen in an ostensibly healthy population. It had not been previously curated by ICSL or reported in the Human Gene Mutation Database (HGMD: prior to June 1st, 2018), and was therefore a candidate for classification through an automated scoring system. Utilizing variant allele frequency, disease prevalence and penetrance estimates, and inheritance mode, an automated score was calculated to assess if this variant is too frequent to cause the disease. Based on the score and internal cut-off values, a variant classified as benign is not then subjected to further curation. The score for this variant resulted in a classification of benign for this disease.

Illumina Laboratory Services, Illumina
Classification: Benign for Tibial muscular dystrophy. Last evaluated: 2018-01-13. Review status: criteria provided, single submitter. Criteria: ICSL Variant Classification Criteria 13 December 2019. Collection method: clinical testing. Allele origin: germline.
Comment: the same text as in the submission from Illumina Laboratory Services, Illumina above.

Illumina Laboratory Services, Illumina
Classification: Uncertain significance for Autosomal recessive limb-girdle muscular dystrophy type 2J. Last evaluated: 2018-01-13. Review status: criteria provided, single submitter. Criteria: ICSL Variant Classification Criteria 13 December 2019. Collection method: clinical testing. Allele origin: germline.

Illumina Laboratory Services, Illumina
Classification: Uncertain significance for Dilated cardiomyopathy 1G. Last evaluated: 2018-01-13. Review status: criteria provided, single submitter. Criteria: ICSL Variant Classification Criteria 13 December 2019. Collection method: clinical testing. Allele origin: germline.

Eurofins Ntd Llc (ga)
Classification: Likely benign. Last evaluated: 2015-08-10. Review status: criteria provided, single submitter. Criteria: EGL Classification Definitions 2015. Collection method: clinical testing. Allele origin: germline. Observed: 1 variant allele, 1 heterozygote.

Biesecker Lab/Clinical Genomics Section, National Institutes of Health
Classification: Likely benign. Last evaluated: 2013-06-24. Review status: criteria provided, single submitter. Criteria: Ng et al. (Circ Cardiovasc Genet. 2013). Collection method: research. Allele origin: unknown. Observed: 1 variant allele. Study: ClinSeq.
Comment: The study set was not selected for affection status in relation to any cancer. Pathogenicity categories were based on literature curation. See Pubmed ID:23861362 for details.

Medical sequencing

Laboratory for Molecular Medicine, Mass General Brigham Personalized Medicine
Classification: Likely benign. Last evaluated: 2012-03-19. Review status: criteria provided, single submitter. Criteria: LMM Criteria. Collection method: clinical testing. Allele origin: germline. Observed: 1 variant allele.
Comment: p.Gly7696Ser in Exon 90 of TTN: This variant is not expected to have clinical si gnificance because it has been identified in 0.4% (11/3030) of African American chromosomes from a broad population by the NHLBI Exome Sequencing Project.

PreventionGenetics, part of Exact Sciences
Classification: Likely benign for TTN-related condition. Last evaluated: 2020-09-02. Review status: no assertion criteria provided. Collection method: clinical testing. Allele origin: germline. Not counted in ClinVar's aggregate classification.
Comment: This variant is classified as likely benign based on ACMG/AMP sequence variant interpretation guidelines (Richards et al. 2015 PMID: 25741868, with internal and published modifications).